The following is an entry in ClinVar:

ClinVar aggregate classification (germline): Pathogenic (1 of 4 stars; one submission).

gnomAD v4.1: 1 of 1,614,194 alleles (0.000062%); highest among the groups gnomAD compares: Non-Finnish European, 0.000085%; no homozygotes.

Submission:

Labcorp Genetics (formerly Invitae), Labcorp
Classification: Pathogenic. Last evaluated: 2024-02-20. Review status: criteria provided, single submitter. Criteria: Invitae Variant Classification Sherloc (09022015). Collection method: clinical testing. Allele origin: germline.
Comment: This sequence change creates a premature translational stop signal (p.Ser409*) in the KIAA0753 gene. It is expected to result in an absent or disrupted protein product. Loss-of-function variants in KIAA0753 are known to be pathogenic (PMID: 29138412). This variant is not present in population databases (gnomAD no frequency). This variant has not been reported in the literature in individuals affected with KIAA0753-related conditions. For these reasons, this variant has been classified as Pathogenic.

Literature cited by the submitters: PubMed 29138412.

NM_014804.3(KIAA0753):c.1226C>G (p.Ser409Ter)

Gene: KIAA0753 (KIAA0753; minus strand). Cytogenetic location: 17p13.1.
Variant type: single nucleotide variant.
Coding change: c.1226C>G on transcript NM_014804.3 (MANE Select); coding-DNA position 1226, C replaced by G.
Protein change: p.Ser409Ter; replaces serine 409 with a stop codon.
Molecular consequence: nonsense. On other transcripts: non-coding transcript variant (3).
Genome position (GRCh38, 1-based): chr17:6,620,877, G>C on the plus strand (C>G on the coding strand, the complement: KIAA0753 is on the minus strand). VCF-style: chr17-6620877-G-C. GRCh37 (hg19) VCF-style: chr17-6524197-G-C.
Other names: c.329C>G, p.Ser110Ter (NM_001351225.2); short protein forms S409*, S110*.
Identifiers: ClinVar variation 3691629 (VCV003691629.2).